The following is an entry in ClinVar:

NM_001039111.3(TRIM71):c.2137A>C (p.Lys713Gln)

Gene: TRIM71 (tripartite motif containing 71; plus strand). Cytogenetic location: 3p22.3.
Variant type: single nucleotide variant.
Coding change: c.2137A>C on transcript NM_001039111.3 (MANE Select); coding-DNA position 2137, A replaced by C.
Protein change: p.Lys713Gln; replaces lysine 713 with glutamine.
Molecular consequence: missense variant.
Genome position (GRCh38, 1-based): chr3:32,891,341, A>C. VCF-style: chr3-32891341-A-C. GRCh37 (hg19) VCF-style: chr3-32932833-A-C.
Other names: short protein forms K713Q.
Identifiers: ClinVar variation 3776550 (VCV003776550.1).
Genomic context (GRCh38, chr3:32,891,341, plus strand): 5'-AAAGGAACCAAGAATGGGCAGTTCAACTACCCTTGGGATGTGGCGGTGAATTCTGAGGGC[A>C]AGATCCTGGTCTCAGACACGAGGAACCACCGGATCCAGCTGTTTGGGCCTGATGGTGTCT-3'
Protein context (NP_001034200.1, residues 703-723): PWDVAVNSEG[Lys713Gln]ILVSDTRNHR

ClinVar aggregate classification (germline): Uncertain significance (1 of 4 stars; one submission).

Submission:

GeneDx
Classification: Uncertain significance. Last evaluated: 2024-10-03. Review status: criteria provided, single submitter. Criteria: GeneDx Variant Classification Process June 2021. Collection method: clinical testing. Allele origin: germline. Affected: yes.
Comment: Not observed at significant frequency in large population cohorts (gnomAD); In silico analysis indicates that this missense variant does not alter protein structure/function; Has not been previously published as pathogenic or benign to our knowledge